The following is an entry in ClinVar:

NM_004006.3(DMD):c.8937G>C (p.Lys2979Asn)

Gene: DMD (dystrophin; minus strand). Cytogenetic location: Xp21.2.
Variant type: single nucleotide variant.
Coding change: c.8937G>C on transcript NM_004006.3 (MANE Select); coding-DNA position 8937, G replaced by C.
Protein change: p.Lys2979Asn; replaces lysine 2979 with asparagine.
Molecular consequence: missense variant.
Genome position (GRCh38, 1-based): chrX:31,478,106, C>G on the plus strand (G>C on the coding strand, the complement: DMD is on the minus strand). VCF-style: chrX-31478106-C-G. GRCh37 (hg19) VCF-style: chrX-31496223-C-G.
Other names: c.8913G>C, p.Lys2971Asn (NM_000109.4); c.8925G>C, p.Lys2975Asn (NM_004009.3); c.8568G>C, p.Lys2856Asn (NM_004010.3); c.4914G>C, p.Lys1638Asn (NM_004011.4); c.4905G>C, p.Lys1635Asn (NM_004012.4); c.1557G>C, p.Lys519Asn (NM_004013.3, NM_004020.4, NM_004021.3 and 2 more transcripts); c.750G>C, p.Lys250Asn (NM_004014.3); short protein forms K1635N, K1638N, K250N, K2856N, K2971N, K2975N, K2979N, K519N.
Identifiers: ClinVar variation 4686117 (VCV004686117.2).

ClinVar aggregate classification (germline): Uncertain significance. Review status: criteria provided, multiple submitters, no conflicts (2 of 4 stars). 2 submissions from 2 submitters: Uncertain significance (2). Last evaluated 2025-07-18.

Conditions:
Duchenne muscular dystrophy (DMD). Also called: MUSCULAR DYSTROPHY, PSEUDOHYPERTROPHIC PROGRESSIVE, DUCHENNE TYPE; Duchenne Muscular Dystrophy (DMD). Identifiers: Orphanet 98896, MedGen C0013264, MONDO:0010679, OMIM 310200.

Submissions (2):

GeneDx
Classification: Uncertain significance. Last evaluated: 2025-07-18. Review status: criteria provided, single submitter. Criteria: GeneDx Variant Classification Process June 2021. Collection method: clinical testing. Allele origin: germline. Affected: yes.
Comment: Published minigene analysis showed that this missense change disrupted splicing, resulting in an inframe deletion of 25 amino acids (Davydenko et al., 2024); Not observed at significant frequency in large population cohorts (gnomAD); In silico analysis suggests that this missense variant does not alter protein structure/function; In silico analysis supports a deleterious effect on splicing; This variant is associated with the following publications: (PMID: 27593222, Davydenko[Functional study]2024)

Labcorp Genetics (formerly Invitae), Labcorp
Classification: Uncertain significance for Duchenne muscular dystrophy. Last evaluated: 2025-05-08. Review status: criteria provided, single submitter. Criteria: Invitae Variant Classification Sherloc (09022015). Collection method: clinical testing. Allele origin: germline.
Comment: This sequence change replaces lysine, which is basic and polar, with asparagine, which is neutral and polar, at codon 2979 of the DMD protein (p.Lys2979Asn). This variant also falls at the last nucleotide of exon 59, which is part of the consensus splice site for this exon. This variant is not present in population databases (gnomAD no frequency). This missense change has been observed in individual(s) with Duchenne/Becker muscular dystrophy (PMID: 27593222). An algorithm developed to predict the effect of missense changes on protein structure and function (PolyPhen-2) suggests that this variant is likely to be disruptive. Variants that disrupt the consensus splice site are a relatively common cause of aberrant splicing (PMID: 17576681, 9536098). Algorithms developed to predict the effect of sequence changes on RNA splicing suggest that this variant may disrupt the consensus splice site. In summary, the available evidence is currently insufficient to determine the role of this variant in disease. Therefore, it has been classified as a Variant of Uncertain Significance.

Literature cited by the submitters: PubMed 27593222 (cited by Labcorp Genetics (formerly Invitae), Labcorp); PubMed 17576681 (cited by Labcorp Genetics (formerly Invitae), Labcorp); PubMed 9536098 (cited by Labcorp Genetics (formerly Invitae), Labcorp).